The following is an entry in ClinVar:

ClinVar aggregate classification (germline): Uncertain significance. Review status: criteria provided, multiple submitters, no conflicts (2 of 4 stars). 3 submissions from 3 submitters: Uncertain significance (3). Last evaluated 2022-04-07.

Conditions:
Joubert syndrome 17 (JBTS17). Identifiers: Orphanet 475, MedGen C3553264, MONDO:0013824, OMIM 614615.
Orofaciodigital syndrome type 6 (OFD6). Also called: OROFACIODIGITAL SYNDROME VI; OFDS VI; POLYDACTYLY, CLEFT LIP/PALATE OR LINGUAL LUMP, AND PSYCHOMOTOR RETARDATION; VARADI SYNDROME; VARADI-PAPP SYNDROME; Oral-facial-digital syndrome type 6. Identifiers: Orphanet 2754, MedGen C2745997, MONDO:0010176, OMIM 277170.

Allele frequency attached by ClinVar (database versions not stated): gnomAD exomes below 0.00001.
gnomAD v4.1: 5 of 1,613,068 alleles (0.00031%); highest among the groups gnomAD compares: Middle Eastern, 0.017%; no homozygotes.

Submissions (3):

Fulgent Genetics
Classification: Uncertain significance for Orofaciodigital syndrome type 6; Joubert syndrome 17. Last evaluated: 2022-04-07. Review status: criteria provided, single submitter. Criteria: ACMG Guidelines, 2015. Collection method: clinical testing. Allele origin: unknown.

Labcorp Genetics (formerly Invitae), Labcorp
Classification: Uncertain significance. Last evaluated: 2022-02-10. Review status: criteria provided, single submitter. Criteria: Invitae Variant Classification Sherloc (09022015). Collection method: clinical testing. Allele origin: germline.
Comment: This variant has not been reported in the literature in individuals affected with CPLANE1-related conditions. This variant is not present in population databases (gnomAD no frequency). This sequence change replaces leucine, which is neutral and non-polar, with phenylalanine, which is neutral and non-polar, at codon 1680 of the CPLANE1 protein (p.Leu1680Phe). ClinVar contains an entry for this variant (Variation ID: 1043485). In summary, the available evidence is currently insufficient to determine the role of this variant in disease. Therefore, it has been classified as a Variant of Uncertain Significance. Advanced modeling of protein sequence and biophysical properties (such as structural, functional, and spatial information, amino acid conservation, physicochemical variation, residue mobility, and thermodynamic stability) performed at Invitae indicates that this missense variant is not expected to disrupt CPLANE1 protein function.

Blueprint Genetics
Classification: Uncertain significance. Last evaluated: 2020-06-17. Review status: criteria provided, single submitter. Criteria: ACMG Guidelines, 2015. Collection method: clinical testing. Allele origin: germline.

NM_001384732.1(CPLANE1):c.5040A>T (p.Leu1680Phe)

Gene: CPLANE1 (ciliogenesis and planar polarity effector complex subunit 1; minus strand). Cytogenetic location: 5p13.2.
Variant type: single nucleotide variant.
Coding change: c.5040A>T on transcript NM_001384732.1 (MANE Select); coding-DNA position 5040, A replaced by T.
Protein change: p.Leu1680Phe; replaces leucine 1680 with phenylalanine.
Molecular consequence: missense variant.
Genome position (GRCh38, 1-based): chr5:37,183,141, T>A on the plus strand (A>T on the coding strand, the complement: CPLANE1 is on the minus strand). VCF-style: chr5-37183141-T-A. GRCh37 (hg19) VCF-style: chr5-37183243-T-A.
Other names: c.5040A>T, p.Leu1680Phe (NM_023073.4); short protein forms L1680F.
Identifiers: ClinVar variation 1043485 (VCV001043485.10), dbSNP rs1783124765, ClinGen allele CA359494416.
Genomic context (GRCh38, chr5:37,183,141, plus strand): 5'-TCTCTGGATTAGACATTTCTCTCTAGTGTCATCTTGTATTTTGTAAATTGACCTTTGTTT[T>A]AAACCAAATAATCCACTCATTCCTTCATTCTTATTGACTTCATTCGAAGGATATTGTAAA-3'
Protein context (NP_001371661.1, residues 1670-1690): KNEGMSGLFG[Leu1680Phe]KQRSIYKIQD